The following is an entry in ClinVar:

NM_001363711.2(DUOX2):c.178C>G (p.Arg60Gly)

Gene: DUOX2 (dual oxidase 2; minus strand). Cytogenetic location: 15q21.1.
Variant type: single nucleotide variant.
Coding change: c.178C>G on transcript NM_001363711.2 (MANE Select); coding-DNA position 178, C replaced by G.
Protein change: p.Arg60Gly; replaces arginine 60 with glycine.
Molecular consequence: missense variant.
Genome position (GRCh38, 1-based): chr15:45,112,701, G>C on the plus strand (C>G on the coding strand, the complement: DUOX2 is on the minus strand). VCF-style: chr15-45112701-G-C. GRCh37 (hg19) VCF-style: chr15-45404899-G-C.
Other names: c.178C>G, p.Arg60Gly (NM_014080.5); short protein forms R60G.
Identifiers: ClinVar variation 1715753 (VCV001715753.5), dbSNP rs771388706, ClinGen allele CA270135319.

ClinVar aggregate classification (germline): Uncertain significance (1 of 4 stars; one submission).

gnomAD v4.1: 1 of 1,612,092 alleles (0.000062%); highest among the groups gnomAD compares: East Asian, 0.0022%; no homozygotes.

Submission:

Labcorp Genetics (formerly Invitae), Labcorp
Classification: Uncertain significance. Last evaluated: 2022-08-08. Review status: criteria provided, single submitter. Criteria: Invitae Variant Classification Sherloc (09022015). Collection method: clinical testing. Allele origin: germline.
Comment: In summary, the available evidence is currently insufficient to determine the role of this variant in disease. Therefore, it has been classified as a Variant of Uncertain Significance. Advanced modeling of protein sequence and biophysical properties (such as structural, functional, and spatial information, amino acid conservation, physicochemical variation, residue mobility, and thermodynamic stability) performed at Invitae indicates that this missense variant is not expected to disrupt DUOX2 protein function. This variant has not been reported in the literature in individuals affected with DUOX2-related conditions. This variant is not present in population databases (gnomAD no frequency). This sequence change replaces arginine, which is basic and polar, with glycine, which is neutral and non-polar, at codon 60 of the DUOX2 protein (p.Arg60Gly).